The following is an entry in ClinVar:

ClinVar aggregate classification (germline): Uncertain significance. Review status: criteria provided, multiple submitters, no conflicts (2 of 4 stars). 2 submissions from 2 submitters: Uncertain significance (2). Last evaluated 2025-01-22.

Allele frequency attached by ClinVar (database versions not stated): TOPMed 0.00001.
gnomAD v4.1: 1 of 1,613,388 alleles (0.000062%); highest among the groups gnomAD compares: Non-Finnish European, 0.000085%; no homozygotes.

Submissions (2):

Ambry Genetics
Classification: Uncertain significance. Last evaluated: 2025-01-22. Review status: criteria provided, single submitter. Criteria: Ambry Variant Classification Scheme 2023. Collection method: clinical testing. Allele origin: germline.
Comment: The p.W343R variant (also known as c.1027T>C), located in coding exon 8 of the RINT1 gene, results from a T to C substitution at nucleotide position 1027. The tryptophan at codon 343 is replaced by arginine, an amino acid with dissimilar properties. This amino acid position is highly conserved in available vertebrate species. In addition, this alteration is predicted to be deleterious by in silico analysis. The evidence for this gene-disease relationship is limited; therefore, the clinical significance of this alteration is unclear.

Labcorp Genetics (formerly Invitae), Labcorp
Classification: Uncertain significance. Last evaluated: 2022-11-15. Review status: criteria provided, single submitter. Criteria: Invitae Variant Classification Sherloc (09022015). Collection method: clinical testing. Allele origin: germline.
Comment: This missense change has been observed in individual(s) with breast and/or ovarian cancer (PMID: 27544226). In summary, the available evidence is currently insufficient to determine the role of this variant in disease. Therefore, it has been classified as a Variant of Uncertain Significance. Algorithms developed to predict the effect of missense changes on protein structure and function are either unavailable or do not agree on the potential impact of this missense change (SIFT: "Deleterious"; PolyPhen-2: "Probably Damaging"; Align-GVGD: "Class C0"). ClinVar contains an entry for this variant (Variation ID: 1515262). This variant is not present in population databases (gnomAD no frequency). This sequence change replaces tryptophan, which is neutral and slightly polar, with arginine, which is basic and polar, at codon 343 of the RINT1 protein (p.Trp343Arg).

Literature cited by the submitters: PubMed 27544226 (cited by Labcorp Genetics (formerly Invitae), Labcorp).

NM_021930.6(RINT1):c.1027T>C (p.Trp343Arg)

Gene: RINT1 (RAD50 interactor 1; plus strand). Cytogenetic location: 7q22.3.
Variant type: single nucleotide variant.
Coding change: c.1027T>C on transcript NM_021930.6 (MANE Select); coding-DNA position 1027, T replaced by C.
Protein change: p.Trp343Arg; replaces tryptophan 343 with arginine.
Molecular consequence: missense variant. On other transcripts: non-coding transcript variant (1).
Genome position (GRCh38, 1-based): chr7:105,550,085, T>C. VCF-style: chr7-105550085-T-C. GRCh37 (hg19) VCF-style: chr7-105190532-T-C.
Other names: c.793T>C, p.Trp265Arg (NM_001346599.2); c.4T>C, p.Trp2Arg (NM_001346600.2, NM_001346603.2); c.103T>C, p.Trp35Arg (NM_001346601.2); c.1027T>C (NM_021930.4); short protein forms W265R, W2R, W35R, W343R.
Identifiers: ClinVar variation 1515262 (VCV001515262.8), dbSNP rs760416206, ClinGen allele CA368808277.